The following is an entry in ClinVar:

ClinVar aggregate classification (germline): Conflicting classifications of pathogenicity. Review status: criteria provided, conflicting classifications (1 of 4 stars). 2 submissions from 2 submitters: Likely pathogenic (1); Uncertain significance (1). Last evaluated 2025-07-25.

Conditions:
Deficiency of UDPglucose-hexose-1-phosphate uridylyltransferase. Also called: Transferase Deficiency Galactosemia; GALACTOSE-1-PHOSPHATE URIDYLYLTRANSFERASE DEFICIENCY; GALT deficiency; Galactosemia, classic; GALACTOSEMIA I. Identifiers: Orphanet 352, Orphanet 79239, MedGen C0268151, MONDO:0009258, OMIM 230400.

Submissions (2):

Women's Health and Genetics/Laboratory Corporation of America, LabCorp
Classification: Uncertain significance. Last evaluated: 2025-07-25. Review status: criteria provided, single submitter. Criteria: LabCorp Variant Classification Summary - May 2015. Collection method: clinical testing. Allele origin: germline.
Comment: Variant summary: GALT c.424A>C (p.Met142Leu) results in a conservative amino acid change in the encoded protein sequence. Algorithms developed to predict the effect of missense changes on protein structure and function are either unavailable or do not agree on the potential impact of this missense change. The variant was absent in 251496 control chromosomes (gnomAD). To our knowledge, no occurrence of c.424A>C in individuals affected with Galactosemia and no experimental evidence demonstrating its impact on protein function have been reported. Other variants affecting the same codon have been classified as likely pathogenic/pathogenic by our lab (e.g., c.425T>A, p.Met142Lys), supporting the critical relevance of codon 142 to GALT protein function. ClinVar contains an entry for this variant (Variation ID: 3014445). Based on the evidence outlined above, the variant was classified as VUS-possibly pathogenic.

Labcorp Genetics (formerly Invitae), Labcorp
Classification: Likely pathogenic for Deficiency of UDPglucose-hexose-1-phosphate uridylyltransferase. Last evaluated: 2023-02-18. Review status: criteria provided, single submitter. Criteria: Invitae Variant Classification Sherloc (09022015). Collection method: clinical testing. Allele origin: germline.
Comment: In summary, the currently available evidence indicates that the variant is pathogenic, but additional data are needed to prove that conclusively. Therefore, this variant has been classified as Likely Pathogenic. This variant disrupts the p.Met142 amino acid residue in GALT. Other variant(s) that disrupt this residue have been determined to be pathogenic (PMID: 2011574, 10384398, 10960497, 17041746, 20213376, 22944367, 23924834). This suggests that this residue is clinically significant, and that variants that disrupt this residue are likely to be disease-causing. This sequence change replaces methionine, which is neutral and non-polar, with leucine, which is neutral and non-polar, at codon 142 of the GALT protein (p.Met142Leu). This variant is not present in population databases (gnomAD no frequency). This variant has not been reported in the literature in individuals affected with GALT-related conditions. Advanced modeling of protein sequence and biophysical properties (such as structural, functional, and spatial information, amino acid conservation, physicochemical variation, residue mobility, and thermodynamic stability) performed at Invitae indicates that this missense variant is expected to disrupt GALT protein function.

Literature cited by the submitters: PubMed 2011574 (cited by Labcorp Genetics (formerly Invitae), Labcorp); PubMed 10384398 (cited by Labcorp Genetics (formerly Invitae), Labcorp); PubMed 10960497 (cited by Labcorp Genetics (formerly Invitae), Labcorp); PubMed 17041746 (cited by Labcorp Genetics (formerly Invitae), Labcorp); PubMed 20213376 (cited by Labcorp Genetics (formerly Invitae), Labcorp); PubMed 22944367 (cited by Labcorp Genetics (formerly Invitae), Labcorp); PubMed 23924834 (cited by Labcorp Genetics (formerly Invitae), Labcorp).

NM_000155.4(GALT):c.424A>C (p.Met142Leu)

Gene: GALT (galactose-1-phosphate uridylyltransferase; plus strand). Cytogenetic location: 9p13.3.
Variant type: single nucleotide variant.
Coding change: c.424A>C on transcript NM_000155.4 (MANE Select); coding-DNA position 424, A replaced by C.
Protein change: p.Met142Leu; replaces methionine 142 with leucine.
Molecular consequence: missense variant.
Genome position (GRCh38, 1-based): chr9:34,647,878, A>C. VCF-style: chr9-34647878-A-C. GRCh37 (hg19) VCF-style: chr9-34647875-A-C.
Other names: c.97A>C, p.Met33Leu (NM_001258332.2); short protein forms M142L, M33L.
Identifiers: ClinVar variation 3014445 (VCV003014445.4), dbSNP rs111033692, ClinGen allele CA373280747.
Genomic context (GRCh38, chr9:34,647,878, plus strand): 5'-CCGTCACCACCCAGTAAGGTCATGTGCTTCCACCCCTGGTCGGATGTAACGCTGCCACTC[A>C]TGTCGGTCCCTGAGATCCGGGCTGTTGTTGATGCATGGGCCTCAGTCACAGAGGAGCTGG-3'
Protein context (NP_000146.2, residues 132-152): HPWSDVTLPL[Met142Leu]SVPEIRAVVD